The following is an entry in ClinVar:

ClinVar aggregate classification (germline): Likely pathogenic (1 of 4 stars; one submission).

Submission:

GeneDx
Classification: Likely pathogenic. Last evaluated: 2022-08-31. Review status: criteria provided, single submitter. Criteria: GeneDx Variant Classification Process June 2021. Collection method: clinical testing. Allele origin: germline. Affected: yes.
Comment: Identified in a cohort of individuals with neurodevelopmental disorders, but detailed clinical information was not included (Wang et al., 2020); Frameshift variant predicted to result in protein truncation, as the last 635 amino acids are replaced with 1 different amino acids, and other loss-of-function variants have been reported downstream in HGMD; Not observed at significant frequency in large population cohorts (gnomAD); This variant is associated with the following publications: (PMID: 33004838)

NM_001282531.3(ADNP):c.1402_1403del (p.Glu468fs)

Gene: ADNP (activity dependent neuroprotector homeobox; minus strand). Cytogenetic location: 20q13.13.
Variant type: Deletion.
Coding change: c.1402_1403del on transcript NM_001282531.3 (MANE Select); coding-DNA positions 1402 to 1403, 2 bases deleted (GA; older notation c.1402_1403delGA).
Protein change: p.Glu468fs; shifts the reading frame from glutamic acid 468.
Molecular consequence: frameshift variant.
Genome position (GRCh38, 1-based): chr20:50,893,311-50,893,312, TC deleted on the plus strand (GA on the coding strand, the reverse complement: ADNP is on the minus strand); deleting any 2 consecutive bases within chr20:50,893,311-50,893,313 gives the same sequence; the c. name uses the placement nearest the transcript's 3' end. VCF-style (leftmost placement, unchanged base first): chr20-50893310-TTC-T. GRCh37 (hg19) VCF-style: chr20-49509847-TTC-T.
Other names: c.1402_1403del, p.Glu468fs (NM_001282532.2, NM_001347511.2, NM_015339.5 and 1 more transcripts); short protein forms E468fs.
Identifiers: ClinVar variation 2442671 (VCV002442671.1), dbSNP rs2515585029, ClinGen allele CA2580098327.